The following is an entry in ClinVar:

NM_001368165.1(CSNK2A2IP):c.591C>T (p.Ile197=)

Gene: CSNK2A2IP (casein kinase 2 subunit alpha' interacting protein; plus strand). Cytogenetic location: 3p11.1.
Variant type: single nucleotide variant.
Coding change: c.591C>T on transcript NM_001368165.1 (MANE Select); coding-DNA position 591, C replaced by T.
Protein change: p.Ile197=; no amino-acid change (isoleucine 197 retained).
Molecular consequence: synonymous variant.
Genome position (GRCh38, 1-based): chr3:88,465,948, C>T. VCF-style: chr3-88465948-C-T. GRCh37 (hg19) VCF-style: chr3-88515098-C-T.
Other names: c.591C>T, p.Ile197= (NM_001368166.1, NM_001368167.1, NM_001368168.1).
Identifiers: ClinVar variation 2653988 (VCV002653988.24), dbSNP rs575760742, ClinGen allele CA79151435.

ClinVar aggregate classification (germline): Likely benign (1 of 4 stars; one submission).

Allele frequency attached by ClinVar (database versions not stated): 1000 Genomes Project 0.00040; 1000 Genomes Project 30x 0.00047.
gnomAD v4.1: 784 of 1,231,620 alleles (0.064%); highest among the groups gnomAD compares: Middle Eastern, 0.31%; 1 homozygote.

Submission:

CeGaT Center for Human Genetics Tuebingen
Classification: Likely benign. Last evaluated: 2022-07-01. Review status: criteria provided, single submitter. Criteria: CeGaT Center For Human Genetics Tuebingen Variant Classification Criteria Version 2. Collection method: clinical testing. Allele origin: germline. Affected: yes. Observed: 1 variant allele.
Comment: CSNK2A2IP: BP4, BP7